The following is an entry in ClinVar:

ClinVar aggregate classification (germline): Pathogenic (1 of 4 stars; one submission).

Conditions:
Charcot-Marie-Tooth disease type 4. Also called: Charcot-Marie-Tooth disease, type IV; Charcot-Marie-Tooth, Type 4. Identifiers: Orphanet 64749, MedGen C4082197, MONDO:0018995.

Submission:

Labcorp Genetics (formerly Invitae), Labcorp
Classification: Pathogenic for Charcot-Marie-Tooth disease type 4. Last evaluated: 2018-10-22. Review status: criteria provided, single submitter. Criteria: Invitae Variant Classification Sherloc (09022015). Collection method: clinical testing. Allele origin: germline.
Comment: This sequence change creates a premature translational stop signal (p.Asp485Valfs*5) in the MTMR2 gene. It is expected to result in an absent or disrupted protein product. For these reasons, this variant has been classified as Pathogenic. Loss-of-function variants in MTMR2 are known to be pathogenic (PMID: 10802647). This variant has not been reported in the literature in individuals with MTMR2-related disease. This variant is not present in population databases (ExAC no frequency).

Literature cited by the submitters: PubMed 10802647.

NM_016156.6(MTMR2):c.1454_1457del (p.Asp485fs)

Gene: MTMR2 (myotubularin related protein 2; minus strand). Cytogenetic location: 11q21.
Variant type: Deletion.
Coding change: c.1454_1457del on transcript NM_016156.6 (MANE Select); coding-DNA positions 1454 to 1457, 4 bases deleted (ACTG; older notation c.1454_1457delACTG).
Protein change: p.Asp485fs; shifts the reading frame from aspartic acid 485.
Molecular consequence: frameshift variant.
Genome position (GRCh38, 1-based): chr11:95,841,639-95,841,642, CAGT deleted on the plus strand (ACTG on the coding strand, the reverse complement: MTMR2 is on the minus strand); deleting any 4 consecutive bases within chr11:95,841,639-95,841,644 gives the same sequence; the c. name uses the placement nearest the transcript's 3' end. VCF-style (leftmost placement, unchanged base first): chr11-95841638-ACAGT-A. GRCh37 (hg19) VCF-style: chr11-95574802-ACAGT-A.
Other names: c.1238_1241del, p.Asp413fs (NM_001243571.2, NM_201278.3, NM_201281.3); c.1454_1457delACTG (NM_016156.5); short protein forms D485fs, D413fs.
Identifiers: ClinVar variation 647003 (VCV000647003.6), dbSNP rs1590974596, ClinGen allele CA915947756.